The following is an entry in ClinVar:

NM_001142800.2(EYS):c.16A>G (p.Ile6Val)

Gene: EYS (EGF-like photoreceptor maintenance factor; minus strand). Cytogenetic location: 6q12.
Variant type: single nucleotide variant.
Coding change: c.16A>G on transcript NM_001142800.2 (MANE Select); coding-DNA position 16, A replaced by G.
Protein change: p.Ile6Val; replaces isoleucine 6 with valine.
Molecular consequence: missense variant.
Genome position (GRCh38, 1-based): chr6:65,495,395, T>C on the plus strand (A>G on the coding strand, the complement: EYS is on the minus strand). VCF-style: chr6-65495395-T-C. GRCh37 (hg19) VCF-style: chr6-66205288-T-C.
Other names: c.16A>G, p.Ile6Val (NM_001142801.2, NM_001292009.2, NM_198283.2); c.16A>G (NM_001142800.1); short protein forms I6V.
Identifiers: ClinVar variation 1503187 (VCV001503187.4), dbSNP rs779012572, ClinGen allele CA3878148.

ClinVar aggregate classification (germline): Conflicting classifications of pathogenicity. Review status: criteria provided, conflicting classifications (1 of 4 stars). 2 submissions from 2 submitters: Uncertain significance (1); Likely benign (1). Last evaluated 2025-08-11.

Conditions:
Inborn genetic diseases. Identifiers: MedGen C0950123, MeSH D030342.

Allele frequency attached by ClinVar (database versions not stated): ExAC 0.00002; gnomAD exomes 0.00002; TOPMed 0.00008; gnomAD 0.00009 and 0.00011.
gnomAD v4.1: 48 of 1,611,210 alleles (0.003%); highest among the groups gnomAD compares: African/African-American, 0.036%; no homozygotes.

Submissions (2):

Ambry Genetics
Classification: Likely benign for Inborn genetic diseases. Last evaluated: 2025-08-11. Review status: criteria provided, single submitter. Criteria: Ambry Variant Classification Scheme 2023. Collection method: clinical testing. Allele origin: germline.

Labcorp Genetics (formerly Invitae), Labcorp
Classification: Uncertain significance. Last evaluated: 2021-11-30. Review status: criteria provided, single submitter. Criteria: Invitae Variant Classification Sherloc (09022015). Collection method: clinical testing. Allele origin: germline.
Comment: This sequence change replaces isoleucine, which is neutral and non-polar, with valine, which is neutral and non-polar, at codon 6 of the EYS protein (p.Ile6Val). This variant is present in population databases (rs779012572, gnomAD 0.03%). This variant has not been reported in the literature in individuals affected with EYS-related conditions. Algorithms developed to predict the effect of missense changes on protein structure and function output the following: SIFT: "Tolerated"; PolyPhen-2: "Benign"; Align-GVGD: "Class C0". The valine amino acid residue is found in multiple mammalian species, which suggests that this missense change does not adversely affect protein function. In summary, the available evidence is currently insufficient to determine the role of this variant in disease. Therefore, it has been classified as a Variant of Uncertain Significance.